The following is an entry in ClinVar:

NM_001145809.2(MYH14):c.5754G>C (p.Glu1918Asp)

Gene: MYH14 (myosin heavy chain 14; plus strand). Cytogenetic location: 19q13.33.
Variant type: single nucleotide variant.
Coding change: c.5754G>C on transcript NM_001145809.2 (MANE Select); coding-DNA position 5754, G replaced by C.
Protein change: p.Glu1918Asp; replaces glutamic acid 1918 with aspartic acid.
Molecular consequence: missense variant.
Genome position (GRCh38, 1-based): chr19:50,307,124, G>C. VCF-style: chr19-50307124-G-C. GRCh37 (hg19) VCF-style: chr19-50810381-G-C.
Other names: c.5655G>C, p.Glu1885Asp (NM_001077186.2); c.5631G>C, p.Glu1877Asp (NM_024729.4); short protein forms E1877D, E1918D, E1885D.
Identifiers: ClinVar variation 2012153 (VCV002012153.12), dbSNP rs902721100, ClinGen allele CA309596908.

ClinVar aggregate classification (germline): Likely benign. Review status: criteria provided, multiple submitters, no conflicts (2 of 4 stars). 2 submissions from 2 submitters: Likely benign (2). Last evaluated 2025-09-02.

Allele frequency attached by ClinVar (database versions not stated): TOPMed below 0.00001; gnomAD 0.00001.
gnomAD v4.1: 2 of 1,549,932 alleles (0.00013%); highest among the groups gnomAD compares: Admixed American, 0.002%; no homozygotes.

Submissions (2):

Labcorp Genetics (formerly Invitae), Labcorp
Classification: Likely benign. Last evaluated: 2025-09-02. Review status: criteria provided, single submitter. Criteria: Invitae Variant Classification Sherloc (09022015). Collection method: clinical testing. Allele origin: germline.

CeGaT Center for Human Genetics Tuebingen
Classification: Likely benign. Last evaluated: 2025-06-01. Review status: criteria provided, single submitter. Criteria: CeGaT Center For Human Genetics Tuebingen Variant Classification Criteria Version 2. Collection method: clinical testing. Allele origin: germline. Affected: yes. Observed: 1 variant allele.
Comment: MYH14: BP4